The following is an entry in ClinVar:

ClinVar aggregate classification (germline): Conflicting classifications of pathogenicity. Review status: criteria provided, conflicting classifications (1 of 4 stars). 11 submissions from 11 submitters: Uncertain significance (10); Benign (1). Last evaluated 2025-11-04.

Conditions:
Familial thoracic aortic aneurysm and aortic dissection (TAAD). Also called: Thoracic aortic aneurysms and dissections. Identifiers: Orphanet 91387, MedGen C4707243, MONDO:0019625.
Ehlers-Danlos syndrome, type 4 (EDSVASC). Also called: Ehlers-Danlos syndrome vascular type; Ehlers Danlos syndrome, ecchymotic type; Ehlers Danlos syndrome, arterial type; Ehlers Danlos syndrome, Sack-Barabas type; Ehlers-Danlos Syndrome Type IV. Identifiers: Orphanet 286, MedGen C0268338, MONDO:0017314, OMIM 130050.

Allele frequency attached by ClinVar (database versions not stated): ExAC 0.00002; TOPMed 0.00003; gnomAD 0.00004 and 0.00005; 1000 Genomes Project 30x 0.00016; 1000 Genomes Project 0.00020.
gnomAD v4.1: 79 of 1,614,164 alleles (0.0049%); highest among the groups gnomAD compares: South Asian, 0.0099%; no homozygotes.

Submissions (11):

Women's Health and Genetics/Laboratory Corporation of America, LabCorp
Classification: Uncertain significance. Last evaluated: 2025-11-04. Review status: criteria provided, single submitter. Criteria: LabCorp Variant Classification Summary - May 2015. Collection method: clinical testing. Allele origin: germline.
Comment: Variant summary: COL3A1 c.3607G>A (p.Ala1203Thr) results in a non-conservative amino acid change in the encoded protein sequence. Algorithms developed to predict the effect of missense changes on protein structure and function are either unavailable or do not agree on the potential impact of this missense change. The variant allele was found at a frequency of 2.8e-05 in 251358 control chromosomes. The available data on variant occurrences in the general population are insufficient to allow any conclusion about variant significance. c.3607G>A has been reported in the literature in one individual affected with dissection of the hepatic artery, joint hypermobility and skin fragility and hyperelasticity (Frank_2015). These report(s) do not provide unequivocal conclusions about association of the variant with Aortopathy. To our knowledge, no experimental evidence demonstrating an impact on protein function has been reported. The following publication has been ascertained in the context of this evaluation (PMID: 25758994). ClinVar contains an entry for this variant (Variation ID: 439517). Based on the evidence outlined above, the variant was classified as uncertain significance.

Ambry Genetics
Classification: Benign for Familial thoracic aortic aneurysm and aortic dissection. Last evaluated: 2025-01-09. Review status: criteria provided, single submitter. Criteria: Ambry Variant Classification Scheme 2023. Collection method: clinical testing. Allele origin: germline.

Labcorp Genetics (formerly Invitae), Labcorp
Classification: Uncertain significance for Ehlers-Danlos syndrome, type 4. Last evaluated: 2024-10-21. Review status: criteria provided, single submitter. Criteria: Invitae Variant Classification Sherloc (09022015). Collection method: clinical testing. Allele origin: germline.
Comment: This sequence change replaces alanine, which is neutral and non-polar, with threonine, which is neutral and polar, at codon 1203 of the COL3A1 protein (p.Ala1203Thr). This variant is present in population databases (rs550665335, gnomAD 0.01%). This missense change has been observed in individual(s) with vascular Ehlers-Danlos syndrome (PMID: 25758994). ClinVar contains an entry for this variant (Variation ID: 439517). Invitae Evidence Modeling of protein sequence and biophysical properties (such as structural, functional, and spatial information, amino acid conservation, physicochemical variation, residue mobility, and thermodynamic stability) indicates that this missense variant is not expected to disrupt COL3A1 protein function with a negative predictive value of 95%. In summary, the available evidence is currently insufficient to determine the role of this variant in disease. Therefore, it has been classified as a Variant of Uncertain Significance.

All of Us Research Program, National Institutes of Health
Classification: Uncertain significance for Ehlers-Danlos syndrome, type 4. Last evaluated: 2024-08-30. Review status: criteria provided, single submitter. Criteria: ACMG Guidelines, 2015. Collection method: clinical testing. Allele origin: germline. Inheritance: Autosomal dominant inheritance. Observed: 14 variant alleles, 14 heterozygotes.
Comment: This missense variant replaces alanine with threonine at codon 1203 of the COL3A1 protein. Computational prediction suggests that this variant may not impact protein structure and function (internally defined REVEL score threshold <= 0.5, PMID: 27666373). To our knowledge, functional studies have not been performed for this variant. This variant has been reported in an individual affected with vascular Ehlers-Danlos syndrome (PMID: 25758994). This variant has also been identified in 9/282756 chromosomes in the general population by the Genome Aggregation Database (gnomAD). The available evidence is insufficient to determine the role of this variant in disease conclusively. Therefore, this variant is classified as a Variant of Uncertain Significance.

This study involves interpretation of variants in research participants for the purpose of population health screening. Participant phenotype was not available at the time of variant classification. Additional details can be found in publication PMID: 35346344, PMCID: PMC8962531

GeneDx
Classification: Uncertain significance. Last evaluated: 2024-06-14. Review status: criteria provided, single submitter. Criteria: GeneDx Variant Classification Process June 2021. Collection method: clinical testing. Allele origin: germline. Affected: yes.
Comment: A published functional study suggested this variant may result in decreased production and delayed electrophoretic mobility of type III collagen (PMID: 34318601); In silico analysis indicates that this missense variant does not alter protein structure/function; Not located in the triple helical region, where the majority of pathogenic missense variants occur (HGMD); This variant is associated with the following publications: (PMID: 34318601, 25758994)

Color Diagnostics, LLC DBA Color Health
Classification: Uncertain significance for Familial thoracic aortic aneurysm and aortic dissection. Last evaluated: 2024-02-14. Review status: criteria provided, single submitter. Criteria: ACMG Guidelines, 2015. Collection method: clinical testing. Allele origin: germline.
Comment: This missense variant replaces alanine with threonine at codon 1203 of the COL3A1 protein. Computational prediction suggests that this variant may not impact protein structure and function (internally defined REVEL score threshold <= 0.5, PMID: 27666373). To our knowledge, functional studies have not been performed for this variant. This variant has been reported in an individual affected with vascular Ehlers-Danlos syndrome (PMID: 25758994). This variant has also been identified in 9/282756 chromosomes in the general population by the Genome Aggregation Database (gnomAD). The available evidence is insufficient to determine the role of this variant in disease conclusively. Therefore, this variant is classified as a Variant of Uncertain Significance.

Blueprint Genetics
Classification: Uncertain significance. Last evaluated: 2023-07-12. Review status: criteria provided, single submitter. Criteria: ACMG Guidelines, 2015. Collection method: clinical testing. Allele origin: germline.

Institute for Clinical Genetics, University Hospital TU Dresden, University Hospital TU Dresden
Classification: Uncertain significance. Last evaluated: 2023-06-26. Review status: criteria provided, single submitter. Criteria: ACMG Guidelines, 2015. Collection method: clinical testing. Allele origin: germline.
Comment: PM2_SUP, PP2

CeGaT Center for Human Genetics Tuebingen
Classification: Uncertain significance. Last evaluated: 2021-06-01. Review status: criteria provided, single submitter. Criteria: CeGaT Center For Human Genetics Tuebingen Variant Classification Criteria Version 2. Collection method: clinical testing. Allele origin: germline. Affected: yes. Observed: 1 variant allele.

Mayo Clinic Laboratories, Mayo Clinic
Classification: Uncertain significance. Last evaluated: 2020-08-26. Review status: criteria provided, single submitter. Criteria: ACMG Guidelines, 2015. Collection method: clinical testing. Allele origin: germline. Observed: 1 variant allele.

ARUP Laboratories, Molecular Genetics and Genomics, ARUP Laboratories
Classification: Uncertain significance. Last evaluated: 2017-02-03. Review status: criteria provided, single submitter. Criteria: ARUP Molecular Germline Variant Investigation Process. Collection method: clinical testing. Allele origin: germline.

Literature cited by the submitters: PubMed 25758994 (cited by 5 submitters).

NM_000090.4(COL3A1):c.3607G>A (p.Ala1203Thr)

Gene: COL3A1 (collagen type III alpha 1 chain; plus strand). Cytogenetic location: 2q32.2.
Variant type: single nucleotide variant.
Coding change: c.3607G>A on transcript NM_000090.4 (MANE Select); coding-DNA position 3607, G replaced by A.
Protein change: p.Ala1203Thr; replaces alanine 1203 with threonine.
Molecular consequence: missense variant.
Genome position (GRCh38, 1-based): chr2:189,009,005, G>A. VCF-style: chr2-189009005-G-A. GRCh37 (hg19) VCF-style: chr2-189873731-G-A.
Other names: short protein forms A1203T.
Identifiers: ClinVar variation 439517 (VCV000439517.69), dbSNP rs550665335, ClinGen allele CA076205.